The following is an entry in ClinVar:

NM_003482.4(KMT2D):c.7328G>T (p.Arg2443Leu)

Gene: KMT2D (lysine methyltransferase 2D; minus strand). Cytogenetic location: 12q13.12.
Variant type: single nucleotide variant.
Coding change: c.7328G>T on transcript NM_003482.4 (MANE Select); coding-DNA position 7328, G replaced by T.
Protein change: p.Arg2443Leu; replaces arginine 2443 with leucine.
Molecular consequence: missense variant.
Genome position (GRCh38, 1-based): chr12:49,040,442, C>A on the plus strand (G>T on the coding strand, the complement: KMT2D is on the minus strand). VCF-style: chr12-49040442-C-A. GRCh37 (hg19) VCF-style: chr12-49434225-C-A.
Other names: short protein forms R2443L.
Identifiers: ClinVar variation 625970 (VCV000625970.8), dbSNP rs780776865, ClinGen allele CA236648061.

ClinVar aggregate classification (germline): Conflicting classifications of pathogenicity. Review status: criteria provided, conflicting classifications (1 of 4 stars). 4 submissions from 3 submitters: Uncertain significance (3); Benign (1). Last evaluated 2025-01-01.

Conditions:
Kabuki syndrome. Also called: NIIKAWA-KUROKI SYNDROME; Kabuki make-up syndrome. Identifiers: Orphanet 2322, MedGen C0796004, MONDO:0016512.
Kabuki syndrome 1 (KABUK1). Also called: KMT2D-Related Kabuki Syndrome. Identifiers: Orphanet 2322, MedGen CN030661, MONDO:0007843, OMIM 147920.
Choanal atresia-athelia-hypothyroidism-delayed puberty-short stature syndrome (BCAHH). Also called: BRANCHIAL ARCH ABNORMALITIES, CHOANAL ATRESIA, ATHELIA, HEARING LOSS, AND HYPOTHYROIDISM SYNDROME. Identifiers: Orphanet 589856, MedGen C5680310, MONDO:0035651, OMIM 620186.

Allele frequency attached by ClinVar (database versions not stated): gnomAD 0.00001; TOPMed 0.00002.
gnomAD v4.1: 3 of 1,557,400 alleles (0.00019%); highest among the groups gnomAD compares: Non-Finnish European, 0.00026%; no homozygotes.

Submissions (4):

Labcorp Genetics (formerly Invitae), Labcorp
Classification: Benign for Kabuki syndrome. Last evaluated: 2025-01-01. Review status: criteria provided, single submitter. Criteria: Invitae Variant Classification Sherloc (09022015). Collection method: clinical testing. Allele origin: germline.

GeneDx
Classification: Uncertain significance. Last evaluated: 2021-08-24. Review status: criteria provided, single submitter. Criteria: GeneDx Variant Classification Process June 2021. Collection method: clinical testing. Allele origin: germline. Affected: yes.
Comment: Identified in one patient with hematologic cytopenia however, detailed clinical and segregation information was not provided (Kim et al., 2019); In silico analysis supports that this missense variant has a deleterious effect on protein structure/function; This variant is associated with the following publications: (PMID: KIM2019[ARTICLE])

Center for Genomics, Ann and Robert H. Lurie Children's Hospital of Chicago
Classification: Uncertain significance for Kabuki syndrome 1. Last evaluated: 2018-10-24. Review status: criteria provided, single submitter. Criteria: ACMG Guidelines, 2015. Collection method: clinical testing. Allele origin: germline.
Comment: KMT2D NM_003482.3 exon 31 p.Arg2443Leu (c.7328G>T): This variant has not been reported in the literature but is present in 0.006% (1/14936) of European alleles in the Genome Aggregation Database. Evolutionary conservation and computational predictive tools suggest that this variant may impact the protein. In summary, data on this variant is insufficient for disease classification. Therefore, the clinical significance of this variant is uncertain.

Center for Genomics, Ann and Robert H. Lurie Children's Hospital of Chicago
Classification: Uncertain significance for Choanal atresia-athelia-hypothyroidism-delayed puberty-short stature syndrome; Kabuki syndrome 1. Review status: criteria provided, single submitter. Criteria: ACMG Guidelines, 2015. Collection method: clinical testing. Allele origin: germline.
Comment: the same text as in the submission from Center for Genomics, Ann and Robert H. Lurie Children's Hospital of Chicago above.